The following is an entry in ClinVar:

NM_000179.3(MSH6):c.1097_1099delinsGGT (p.Tyr366_His367delinsTrpTyr)

Gene: MSH6 (mutS homolog 6; plus strand). Cytogenetic location: 2p16.3.
Variant type: Indel.
Coding change: c.1097_1099delinsGGT on transcript NM_000179.3 (MANE Select); coding-DNA positions 1097 to 1099, ATC replaced by GGT.
Protein change: p.Tyr366_His367delinsTrpTyr.
Molecular consequence: missense variant.
Genome position (GRCh38, 1-based): chr2:47,799,080-47,799,082, ATC replaced by GGT. VCF-style: chr2-47799080-ATC-GGT. GRCh37 (hg19) VCF-style: chr2-48026219-ATC-GGT.
Other names: c.707_709delinsGGT, p.Tyr236_His237delinsTrpTyr (NM_001281492.2); c.191_193delinsGGT, p.Tyr64_His65delinsTrpTyr (NM_001281493.2, NM_001281494.2).
Identifiers: ClinVar variation 1366217 (VCV001366217.10), dbSNP rs2104319421, ClinGen allele CA2573134910.
Genomic context (GRCh38, chr2:47,799,080, plus strand): 5'-CTGAATCCCAAGCCCACGTTAGTGGAGGTGGTGATGACAGTAGTCGCCCTACTGTTTGGT[ATC>GGT]ATGAAACTTTAGAATGGCTTAAGGAGGAAAAGAGAAGAGATGAGCACAGGAGGAGGCCTG-3'

ClinVar aggregate classification (germline): Uncertain significance. Review status: criteria provided, multiple submitters, no conflicts (2 of 4 stars). 2 submissions from 2 submitters: Uncertain significance (2). Last evaluated 2021-01-20.

Conditions:
Hereditary nonpolyposis colorectal neoplasms. Identifiers: MedGen C0009405, MeSH D003123.
Hereditary cancer-predisposing syndrome. Also called: Neoplastic Syndromes, Hereditary; Tumor predisposition; Hereditary neoplastic syndrome; Hereditary Cancer Syndrome. Identifiers: Orphanet 140162, MedGen C0027672, MeSH D009386, MONDO:0015356.

Submissions (2):

Labcorp Genetics (formerly Invitae), Labcorp
Classification: Uncertain significance for Hereditary nonpolyposis colorectal neoplasms. Last evaluated: 2021-01-20. Review status: criteria provided, single submitter. Criteria: Invitae Variant Classification Sherloc (09022015). Collection method: clinical testing. Allele origin: germline.
Comment: In summary, the available evidence is currently insufficient to determine the role of this variant in disease. Therefore, it has been classified as a Variant of Uncertain Significance. Algorithms developed to predict the effect of sequence changes on RNA splicing suggest that this variant may create or strengthen a splice site, but this prediction has not been confirmed by published transcriptional studies. Experimental studies and prediction algorithms are not available or were not evaluated, and the functional significance of this variant is currently unknown. This variant has not been reported in the literature in individuals with MSH6-related conditions. The frequency data for this variant in the population databases is not available, as this variant may be reported as separate entries in the ExAC database. This variant, c.1097_1099delinsGGT, is a complex sequence change that results in the deletion of tyrosine and histidine and the insertion of tryptophan and tyrosine amino acid(s) in the MSH6 protein (p.Tyr366_His367delinsTrpTyr).

Ambry Genetics
Classification: Uncertain significance for Hereditary cancer-predisposing syndrome. Last evaluated: 2020-09-30. Review status: criteria provided, single submitter. Criteria: Ambry Variant Classification Scheme 2023. Collection method: clinical testing. Allele origin: germline.
Comment: The c.1097_1099delATCinsGGT variant (also known as p.Y366_H367delinsWY), located in coding exon 4 of the MSH6 gene, results from an in-frame deletion of ATC and insertion of GGT at nucleotide positions 1097 to 1099. This results in the substitution of tryptophan and tyrosine residues for a tyrosine and histidine residue at codon 366 and 367. This amino acid region is highly conserved through mammals but not in all available vertebrate species. In addition, this alteration is predicted to be deleterious by in silico analysis (Choi Y et al. PLoS ONE. 2012; 7(10):e46688). Since supporting evidence is limited at this time, the clinical significance of this alteration remains unclear.